The following is an entry in ClinVar:

NM_000051.4(ATM):c.6883G>A (p.Glu2295Lys)

Genes: ATM (ATM serine/threonine kinase; plus strand), C11orf65 (chromosome 11 open reading frame 65; minus strand). Cytogenetic location: 11q22.3.
Variant type: single nucleotide variant.
Coding change: c.6883G>A on transcript NM_000051.4 (MANE Select); coding-DNA position 6883, G replaced by A.
Protein change: p.Glu2295Lys; replaces glutamic acid 2295 with lysine.
Molecular consequence: missense variant. On other transcripts: intron variant (2).
Genome position (GRCh38, 1-based): chr11:108,326,133, G>A. VCF-style: chr11-108326133-G-A. GRCh37 (hg19) VCF-style: chr11-108196860-G-A.
Other names: c.6883G>A, p.Glu2295Lys (NM_001351834.2); c.641-17062C>T (NM_001330368.2); c.*38+9087C>T (NM_001351110.2); short protein forms E2295K.
Identifiers: ClinVar variation 1974839 (VCV001974839.6), dbSNP rs2136335104, ClinGen allele CA382556832.
Genomic context (GRCh38, chr11:108,326,133, plus strand): 5'-ATATTTCAAATTAAACAGTACAATTCAGTTAGCTGTGGAGTCTCTGAGTGGCAGCTGGAA[G>A]AAGCACAAGTATTCTGGGCAAAAAAGGAGCAGAGTCTTGCCCTGAGTATTCTCAAGCAAA-3'
Protein context (NP_000042.3, residues 2285-2305): SCGVSEWQLE[Glu2295Lys]AQVFWAKKEQ

ClinVar aggregate classification (germline): Uncertain significance. Review status: criteria provided, multiple submitters, no conflicts (2 of 4 stars). 2 submissions from 2 submitters: Uncertain significance (2). Last evaluated 2026-03-26.

Conditions:
Ataxia-telangiectasia syndrome (AT). Also called: Ataxia-telangiectasia, complementation group D; AT, COMPLEMENTATION GROUP C; ATAXIA-TELANGIECTASIA, COMPLEMENTATION GROUP A; ATAXIA-TELANGIECTASIA, FRESNO VARIANT; Ataxia-telangiectasia, complementation group E; LOUIS-BAR SYNDROME. Identifiers: Orphanet 100, MedGen C0004135, MONDO:0008840, OMIM 208900.
Hereditary cancer-predisposing syndrome. Also called: Tumor predisposition; Hereditary Cancer Syndrome; Hereditary neoplastic syndrome; Neoplastic Syndromes, Hereditary. Identifiers: Orphanet 140162, MedGen C0027672, MeSH D009386, MONDO:0015356.

Submissions (2):

Ambry Genetics
Classification: Uncertain significance for Hereditary cancer-predisposing syndrome. Last evaluated: 2026-03-26. Review status: criteria provided, single submitter. Criteria: Ambry Variant Classification Scheme 2023. Collection method: clinical testing. Allele origin: germline.
Comment: The p.E2295K variant (also known as c.6883G>A), located in coding exon 46 of the ATM gene, results from a G to A substitution at nucleotide position 6883. The glutamic acid at codon 2295 is replaced by lysine, an amino acid with similar properties. In an assay testing ATM function, this variant showed a functionally abnormal result (Lee KS et al. Cell, 2025 Sep;188:5081-5099.e27). This amino acid position is highly conserved in available vertebrate species. In addition, this alteration is predicted to be deleterious by in silico analysis. Based on the available evidence, the clinical significance of this variant remains unclear.

Labcorp Genetics (formerly Invitae), Labcorp
Classification: Uncertain significance for Ataxia-telangiectasia syndrome. Last evaluated: 2025-10-21. Review status: criteria provided, single submitter. Criteria: Invitae Variant Classification Sherloc (09022015). Collection method: clinical testing. Allele origin: germline.
Comment: This sequence change replaces glutamic acid, which is acidic and polar, with lysine, which is basic and polar, at codon 2295 of the ATM protein (p.Glu2295Lys). This variant is not present in population databases (gnomAD no frequency). This variant has not been reported in the literature in individuals affected with ATM-related conditions. ClinVar contains an entry for this variant (Variation ID: 1974839). Invitae Evidence Modeling of protein sequence and biophysical properties (such as structural, functional, and spatial information, amino acid conservation, physicochemical variation, residue mobility, and thermodynamic stability) has been performed for this missense variant. However, the output from this modeling did not meet the statistical confidence thresholds required to predict the impact of this variant on ATM protein function. In summary, the available evidence is currently insufficient to determine the role of this variant in disease. Therefore, it has been classified as a Variant of Uncertain Significance.

Literature cited by the submitters: PubMed 40580951 (cited by Ambry Genetics).